The following is an entry in ClinVar:

ClinVar aggregate classification (germline): Uncertain significance (1 of 4 stars; one submission).

Submission:

Labcorp Genetics (formerly Invitae), Labcorp
Classification: Uncertain significance. Last evaluated: 2024-02-03. Review status: criteria provided, single submitter. Criteria: Invitae Variant Classification Sherloc (09022015). Collection method: clinical testing. Allele origin: germline.
Comment: This sequence change replaces proline, which is neutral and non-polar, with histidine, which is basic and polar, at codon 792 of the CSF2RB protein (p.Pro792His). This variant is not present in population databases (gnomAD no frequency). This variant has not been reported in the literature in individuals affected with CSF2RB-related conditions. Advanced modeling of protein sequence and biophysical properties (such as structural, functional, and spatial information, amino acid conservation, physicochemical variation, residue mobility, and thermodynamic stability) performed at Invitae indicates that this missense variant is not expected to disrupt CSF2RB protein function with a negative predictive value of 80%. In summary, the available evidence is currently insufficient to determine the role of this variant in disease. Therefore, it has been classified as a Variant of Uncertain Significance.

NM_000395.3(CSF2RB):c.2375C>A (p.Pro792His)

Gene: CSF2RB (colony stimulating factor 2 receptor subunit beta; plus strand). Cytogenetic location: 22q12.3.
Variant type: single nucleotide variant.
Coding change: c.2375C>A on transcript NM_000395.3 (MANE Select); coding-DNA position 2375, C replaced by A.
Protein change: p.Pro792His; replaces proline 792 with histidine.
Molecular consequence: missense variant.
Genome position (GRCh38, 1-based): chr22:36,938,183, C>A. VCF-style: chr22-36938183-C-A. GRCh37 (hg19) VCF-style: chr22-37334225-C-A.
Other names: c.2393C>A, p.Pro798His (NM_001410827.1); short protein forms P792H, P798H.
Identifiers: ClinVar variation 3638579 (VCV003638579.2).
Genomic context (GRCh38, chr22:36,938,183, plus strand): 5'-TTGAGGGCCGGTCCCCCAGGTCACCAAGGAACAATCCTGTCCCCCCTGAGGCCAAAAGCC[C>A]TGTCCTGAACCCAGGGGAACGCCCGGCAGATGTGTCCCCAACATCCCCACAGCCCGAGGG-3'
Protein context (NP_000386.1, residues 782-802): NNPVPPEAKS[Pro792His]VLNPGERPAD